The following is an entry in ClinVar:

NM_181861.2(APAF1):c.1874A>C (p.Glu625Ala)

Gene: APAF1 (apoptotic peptidase activating factor 1; plus strand). Cytogenetic location: 12q23.1.
Variant type: single nucleotide variant.
Coding change: c.1874A>C on transcript NM_181861.2 (MANE Select); coding-DNA position 1874, A replaced by C.
Protein change: p.Glu625Ala; replaces glutamic acid 625 with alanine.
Molecular consequence: missense variant. On other transcripts: intron variant (1).
Genome position (GRCh38, 1-based): chr12:98,677,505, A>C. VCF-style: chr12-98677505-A-C. GRCh37 (hg19) VCF-style: chr12-99071283-A-C.
Other names: c.1841A>C, p.Glu614Ala (NM_001160.3, NM_013229.3); c.1874A>C, p.Glu625Ala (NM_181868.2); c.955+14699A>C (NM_181869.2); short protein forms E614A, E625A.
Identifiers: ClinVar variation 712181 (VCV000712181.6), dbSNP rs73142307, ClinGen allele CA6734110.
Genomic context (GRCh38, chr12:98,677,505, plus strand): 5'-ATCTTTCCCGCTTAGTTGTCCGCCCCCACACAGATGCTGTTTACCATGCCTGCTTTTCTG[A>C]GGATGGTCAGAGAATAGCTTCTTGTGGAGCTGATAAAACCTTACAGGTAAAACACATCTC-3'
Protein context (NP_863651.1, residues 615-635): TDAVYHACFS[Glu625Ala]DGQRIASCGA

ClinVar aggregate classification (germline): Benign. Review status: criteria provided, multiple submitters, no conflicts (2 of 4 stars). 3 submissions from 3 submitters: Benign (2). 1 of the submissions does not count toward it. Last evaluated 2018-08-08.

Conditions:
APAF1-related disorder. Also called: APAF1-related condition.

Allele frequency attached by ClinVar (database versions not stated): 1000 Genomes Project 0.00300; 1000 Genomes Project 30x 0.00328; TOPMed 0.00475; ESP Exome Variant Server 0.00554; ExAC 0.00641; gnomAD exomes 0.00647.
gnomAD v4.1: 10,893 of 1,614,088 alleles (0.67%); highest among the groups gnomAD compares: Non-Finnish European, 0.74%; 58 homozygotes.

Submissions (3):

Labcorp Genetics (formerly Invitae), Labcorp
Classification: Benign. Last evaluated: 2018-08-08. Review status: criteria provided, single submitter. Criteria: Invitae Variant Classification Sherloc (09022015). Collection method: clinical testing. Allele origin: germline.

Breakthrough Genomics
Classification: Benign. Review status: criteria provided, single submitter. Criteria: ACMG Guidelines, 2015. Collection method: not provided. Allele origin: germline. Inheritance: Unknown mechanism. Affected: yes.

PreventionGenetics, part of Exact Sciences
Classification: Likely benign for APAF1-related condition. Last evaluated: 2019-04-26. Review status: no assertion criteria provided. Collection method: clinical testing. Allele origin: germline. Not counted in ClinVar's aggregate classification.
Comment: This variant is classified as likely benign based on ACMG/AMP sequence variant interpretation guidelines (Richards et al. 2015 PMID: 25741868, with internal and published modifications).